The following is an entry in ClinVar:

ClinVar aggregate classification (germline): Uncertain significance (1 of 4 stars; one submission).

Allele frequency attached by ClinVar (database versions not stated): gnomAD exomes below 0.00001; TOPMed below 0.00001; ExAC 0.00001.
gnomAD v4.1: 3 of 1,567,494 alleles (0.00019%); highest among the groups gnomAD compares: Non-Finnish European, 0.00026%; no homozygotes.

Submission:

Labcorp Genetics (formerly Invitae), Labcorp
Classification: Uncertain significance. Last evaluated: 2022-07-21. Review status: criteria provided, single submitter. Criteria: Invitae Variant Classification Sherloc (09022015). Collection method: clinical testing. Allele origin: germline.
Comment: This sequence change replaces glycine, which is neutral and non-polar, with arginine, which is basic and polar, at codon 125 of the SLC12A6 protein (p.Gly125Arg). This variant is not present in population databases (gnomAD no frequency). This variant has not been reported in the literature in individuals affected with SLC12A6-related conditions. Advanced modeling of protein sequence and biophysical properties (such as structural, functional, and spatial information, amino acid conservation, physicochemical variation, residue mobility, and thermodynamic stability) performed at Invitae indicates that this missense variant is not expected to disrupt SLC12A6 protein function. In summary, the available evidence is currently insufficient to determine the role of this variant in disease. Therefore, it has been classified as a Variant of Uncertain Significance.

NM_001365088.1(SLC12A6):c.373G>A (p.Gly125Arg)

Gene: SLC12A6 (solute carrier family 12 member 6; minus strand). Cytogenetic location: 15q14.
Variant type: single nucleotide variant.
Coding change: c.373G>A on transcript NM_001365088.1 (MANE Select); coding-DNA position 373, G replaced by A.
Protein change: p.Gly125Arg; replaces glycine 125 with arginine.
Molecular consequence: missense variant.
Genome position (GRCh38, 1-based): chr15:34,260,964, C>T on the plus strand (G>A on the coding strand, the complement: SLC12A6 is on the minus strand). VCF-style: chr15-34260964-C-T. GRCh37 (hg19) VCF-style: chr15-34553165-C-T.
Other names: c.196G>A, p.Gly66Arg (NM_001042494.2, NM_001042495.2); c.346G>A, p.Gly116Arg (NM_001042496.2); c.328G>A, p.Gly110Arg (NM_001042497.2); c.220G>A, p.Gly74Arg (NM_005135.2); c.373G>A, p.Gly125Arg (NM_133647.2); short protein forms G110R, G116R, G125R, G66R, G74R.
Identifiers: ClinVar variation 2415862 (VCV002415862.2), dbSNP rs767828997, ClinGen allele CA7464583.